The following is an entry in ClinVar:

ClinVar aggregate classification (germline): Pathogenic (1 of 4 stars; one submission).

Conditions:
CHARGE syndrome (CHARGE). Also called: Hittner Hirsch Kreh syndrome; CHARGE ASSOCIATION--COLOBOMA, HEART ANOMALY, CHOANAL ATRESIA, RETARDATION, GENITAL AND EAR ANOMALIES; Coloboma, heart anomaly, choanal atresia, retardation, genital and ear anomalies; CHARGE association; Hall-Hittner syndrome. Identifiers: Orphanet 138, MedGen C0265354, MONDO:0008965.

Submission:

Labcorp Genetics (formerly Invitae), Labcorp
Classification: Pathogenic for CHARGE syndrome. Last evaluated: 2025-02-19. Review status: criteria provided, single submitter. Criteria: Invitae Variant Classification Sherloc (09022015). Collection method: clinical testing. Allele origin: germline.
Comment: This sequence change creates a premature translational stop signal (p.Ile929Argfs*3) in the CHD7 gene. It is expected to result in an absent or disrupted protein product. Loss-of-function variants in CHD7 are known to be pathogenic (PMID: 22461308, 25077900). This variant is not present in population databases (gnomAD no frequency). This variant has not been reported in the literature in individuals affected with CHD7-related conditions. Algorithms developed to predict the effect of sequence changes on RNA splicing suggest that this variant may disrupt the consensus splice site. For these reasons, this variant has been classified as Pathogenic.

Literature cited by the submitters: PubMed 22461308; PubMed 25077900.

NM_017780.4(CHD7):c.2786_2798del (p.Ile929fs)

Gene: CHD7 (chromodomain helicase DNA binding protein 7; plus strand). Cytogenetic location: 8q12.2.
Variant type: Deletion.
Coding change: c.2786_2798del on transcript NM_017780.4 (MANE Select); coding-DNA positions 2786 to 2798, 13 bases deleted (TCGAGGAGTTTGA).
Protein change: p.Ile929fs; shifts the reading frame from isoleucine 929.
Molecular consequence: frameshift variant. On other transcripts: intron variant (1).
Genome position (GRCh38, 1-based): chr8:60,821,878-60,821,890, TCGAGGAGTTTGA deleted; deleting any 13 consecutive bases within chr8:60,821,876-60,821,890 gives the same sequence; the c. name uses the placement nearest the transcript's 3' end. VCF-style (leftmost placement, unchanged base first): chr8-60821875-AGATCGAGGAGTTT-A. GRCh37 (hg19) VCF-style: chr8-61734434-AGATCGAGGAGTTT-A.
Other names: c.1717-40351_1717-40339del (NM_001316690.1); short protein forms I929fs.
Identifiers: ClinVar variation 4713389 (VCV004713389.1).